The following is an entry in ClinVar:

NM_024537.4(CARS2):c.1540C>A (p.Gln514Lys)

Gene: CARS2 (cysteinyl-tRNA synthetase 2, mitochondrial; minus strand). Cytogenetic location: 13q34.
Variant type: single nucleotide variant.
Coding change: c.1540C>A on transcript NM_024537.4 (MANE Select); coding-DNA position 1540, C replaced by A.
Protein change: p.Gln514Lys; replaces glutamine 514 with lysine.
Molecular consequence: missense variant. On other transcripts: non-coding transcript variant (2).
Genome position (GRCh38, 1-based): chr13:110,642,398, G>T on the plus strand (C>A on the coding strand, the complement: CARS2 is on the minus strand). VCF-style: chr13-110642398-G-T. GRCh37 (hg19) VCF-style: chr13-111294745-G-T.
Other names: c.754C>A, p.Gln252Lys (NM_001352252.2); short protein forms Q252K, Q514K.
Identifiers: ClinVar variation 1020492 (VCV001020492.8), dbSNP rs953211656, ClinGen allele CA388740258.

ClinVar aggregate classification (germline): Uncertain significance (1 of 4 stars; one submission).

Conditions:
Combined oxidative phosphorylation defect type 27. Also called: Combined oxidative phosphorylation deficiency 27. Identifiers: Orphanet 477774, MedGen C5567608, MONDO:0014728, OMIM 616672.

Submission:

Labcorp Genetics (formerly Invitae), Labcorp
Classification: Uncertain significance for Combined oxidative phosphorylation defect type 27. Last evaluated: 2020-10-08. Review status: criteria provided, single submitter. Criteria: Invitae Variant Classification Sherloc (09022015). Collection method: clinical testing. Allele origin: germline.
Comment: In summary, the available evidence is currently insufficient to determine the role of this variant in disease. Therefore, it has been classified as a Variant of Uncertain Significance. This sequence change replaces glutamine with lysine at codon 514 of the CARS2 protein (p.Gln514Lys). The glutamine residue is moderately conserved and there is a small physicochemical difference between glutamine and lysine. This variant is not present in population databases (ExAC no frequency). This variant has not been reported in the literature in individuals with CARS2-related conditions. Algorithms developed to predict the effect of missense changes on protein structure and function (SIFT, PolyPhen-2, Align-GVGD) all suggest that this variant is likely to be tolerated, but these predictions have not been confirmed by published functional studies and their clinical significance is uncertain.